The following is an entry in ClinVar:

ClinVar aggregate classification (germline): Uncertain significance (1 of 4 stars; one submission).

Allele frequency attached by ClinVar (database versions not stated): gnomAD 0.00001; gnomAD exomes 0.00001; TOPMed 0.00002; ExAC 0.00005; ESP Exome Variant Server 0.00008.

Submission:

Labcorp Genetics (formerly Invitae), Labcorp
Classification: Uncertain significance. Last evaluated: 2023-03-31. Review status: criteria provided, single submitter. Criteria: Invitae Variant Classification Sherloc (09022015). Collection method: clinical testing. Allele origin: germline.
Comment: In summary, the available evidence is currently insufficient to determine the role of this variant in disease. Therefore, it has been classified as a Variant of Uncertain Significance. Advanced modeling of protein sequence and biophysical properties (such as structural, functional, and spatial information, amino acid conservation, physicochemical variation, residue mobility, and thermodynamic stability) performed at Invitae indicates that this missense variant is not expected to disrupt PCDH12 protein function. This variant has not been reported in the literature in individuals affected with PCDH12-related conditions. This variant is present in population databases (rs148806543, gnomAD 0.007%). This sequence change replaces arginine, which is basic and polar, with tryptophan, which is neutral and slightly polar, at codon 741 of the PCDH12 protein (p.Arg741Trp).

NM_016580.4(PCDH12):c.2221C>T (p.Arg741Trp)

Genes: PCDH12 (protocadherin 12; minus strand), RNF14 (ring finger protein 14; plus strand). Cytogenetic location: 5q31.3.
Variant type: single nucleotide variant.
Coding change: c.2221C>T on transcript NM_016580.4 (MANE Select); coding-DNA position 2221, C replaced by T.
Protein change: p.Arg741Trp; replaces arginine 741 with tryptophan.
Molecular consequence: missense variant.
Genome position (GRCh38, 1-based): chr5:141,955,631, G>A on the plus strand (C>T on the coding strand, the complement: PCDH12 is on the minus strand). VCF-style: chr5-141955631-G-A. GRCh37 (hg19) VCF-style: chr5-141335196-G-A.
Other names: short protein forms R741W.
Identifiers: ClinVar variation 2966524 (VCV002966524.3), dbSNP rs148806543, ClinGen allele CA3484255.